The following is an entry in ClinVar:

NM_000070.3(CAPN3):c.2242C>G (p.Arg748Gly)

Gene: CAPN3 (calpain 3; plus strand). Cytogenetic location: 15q15.1.
Variant type: single nucleotide variant.
Coding change: c.2242C>G on transcript NM_000070.3 (MANE Select); coding-DNA position 2242, C replaced by G.
Protein change: p.Arg748Gly; replaces arginine 748 with glycine.
Molecular consequence: missense variant.
Genome position (GRCh38, 1-based): chr15:42,410,645, C>G. VCF-style: chr15-42410645-C-G. GRCh37 (hg19) VCF-style: chr15-42702843-C-G.
Other names: c.2224C>G, p.Arg742Gly (NM_024344.2); c.1966C>G, p.Arg656Gly (NM_173087.2); c.706C>G, p.Arg236Gly (NM_173088.2); c.247C>G, p.Arg83Gly (NM_173089.2, NM_173090.2); short protein forms R748G, R742G, R83G, R236G, R656G.
Identifiers: ClinVar variation 548138 (VCV000548138.3), dbSNP rs768090444, ClinGen allele CA392001895.
Genomic context (GRCh38, chr15:42,410,645, plus strand): 5'-CAGAAAATTTTCAAACACTATGACACAGACCAGTCCGGCACCATCAACAGCTACGAGATG[C>G]GAAATGCAGTCAACGACGCAGGTGCTGAGAAGGAAGGGGTGGCAGGGATGTGGACCCGAG-3'
Protein context (NP_000061.1, residues 738-758): QSGTINSYEM[Arg748Gly]NAVNDAGFHL

ClinVar aggregate classification (germline): Pathogenic (1 of 4 stars; one submission).

Conditions:
Autosomal recessive limb-girdle muscular dystrophy type 2A (LGMDR1). Also called: Limb-girdle muscular dystrophy, type 2A; Muscular dystrophy, limb-girdle, type 2A, Amish; LEYDEN-MOEBIUS MUSCULAR DYSTROPHY; MUSCULAR DYSTROPHY, PELVOFEMORAL; Calpainopathy. Identifiers: Orphanet 267, MedGen C1869123, MONDO:0009675, OMIM 253600. Disease mechanism: loss of function.

gnomAD v4.1: 1 of 1,613,648 alleles (0.000062%); highest among the groups gnomAD compares: Non-Finnish European, 0.000085%; no homozygotes.

Submission:

Neuromuscular Diagnostic Laboratory, American University of Beirut Medical Center
Classification: Pathogenic for Autosomal recessive limb-girdle muscular dystrophy type 2A. Last evaluated: 2017-07-15. Review status: criteria provided, single submitter. Criteria: ACMG Guidelines, 2015. Collection method: research. Allele origin: inherited. Inheritance: Autosomal recessive inheritance. Affected: yes. Observed: 1 variant allele, 1 homozygote.
Comment: The diagnosis of LGMD2A was first suspected on the basis of a typical clinical localization of the muscle weakness and further confirmed by immunoblotting and molecular analysis.